The following is an entry in ClinVar:

ClinVar aggregate classification (germline): Uncertain significance (1 of 4 stars; one submission).

Conditions:
Developmental and epileptic encephalopathy, 23 (DEE23). Also called: Epileptic encephalopathy, early infantile, 23. Identifiers: Orphanet 411986, MedGen C4014492, MONDO:0014371, OMIM 615859.

Allele frequency attached by ClinVar (database versions not stated): gnomAD 0.00001; gnomAD exomes 0.00001; TOPMed 0.00001.
gnomAD v4.1: 10 of 1,591,702 alleles (0.00063%); highest among the groups gnomAD compares: Non-Finnish European, 0.00086%; no homozygotes.

Submission:

Labcorp Genetics (formerly Invitae), Labcorp
Classification: Uncertain significance for Developmental and epileptic encephalopathy, 23. Last evaluated: 2022-07-15. Review status: criteria provided, single submitter. Criteria: Invitae Variant Classification Sherloc (09022015). Collection method: clinical testing. Allele origin: germline.
Comment: In summary, the available evidence is currently insufficient to determine the role of this variant in disease. Therefore, it has been classified as a Variant of Uncertain Significance. Algorithms developed to predict the effect of missense changes on protein structure and function are either unavailable or do not agree on the potential impact of this missense change (SIFT: "Deleterious"; PolyPhen-2: "Probably Damaging"; Align-GVGD: "Class C0"). This variant has not been reported in the literature in individuals affected with DOCK7-related conditions. This variant is not present in population databases (gnomAD no frequency). This sequence change replaces proline, which is neutral and non-polar, with leucine, which is neutral and non-polar, at codon 695 of the DOCK7 protein (p.Pro695Leu).

NM_001367561.1(DOCK7):c.2084C>T (p.Pro695Leu)

Gene: DOCK7 (dedicator of cytokinesis 7; minus strand). Cytogenetic location: 1p31.3.
Variant type: single nucleotide variant.
Coding change: c.2084C>T on transcript NM_001367561.1 (MANE Select); coding-DNA position 2084, C replaced by T.
Protein change: p.Pro695Leu; replaces proline 695 with leucine.
Molecular consequence: missense variant.
Genome position (GRCh38, 1-based): chr1:62,577,290, G>A on the plus strand (C>T on the coding strand, the complement: DOCK7 is on the minus strand). VCF-style: chr1-62577290-G-A. GRCh37 (hg19) VCF-style: chr1-63042961-G-A.
Other names: c.2084C>T, p.Pro695Leu (NM_001271999.2, NM_001272000.2, NM_001272001.2 and 2 more transcripts); short protein forms P695L.
Identifiers: ClinVar variation 2106634 (VCV002106634.4), dbSNP rs1327784870, ClinGen allele CA340628929.